The following is an entry in ClinVar:

NM_001366006.2(ADGRL2):c.3381A>G (p.Arg1127=)

Gene: ADGRL2 (adhesion G protein-coupled receptor L2; plus strand). Cytogenetic location: 1p31.1.
Variant type: single nucleotide variant.
Coding change: c.3381A>G on transcript NM_001366006.2 (MANE Select); coding-DNA position 3381, A replaced by G.
Protein change: p.Arg1127=; no amino-acid change (arginine 1127 retained).
Molecular consequence: synonymous variant. On other transcripts: non-coding transcript variant (1).
Genome position (GRCh38, 1-based): chr1:81,984,681, A>G. VCF-style: chr1-81984681-A-G. GRCh37 (hg19) VCF-style: chr1-82450365-A-G.
Other names: c.3330A>G, p.Arg1110= (NM_001297704.3, NM_001297705.3, NM_001297706.3 and 7 more transcripts); c.3369A>G, p.Arg1123= (NM_001330645.3, NM_001366009.2, NM_001393350.1); c.3381A>G, p.Arg1127= (NM_001350698.2, NM_001366003.2, NM_001366004.2 and 3 more transcripts); c.3426A>G, p.Arg1142= (NM_001366007.2).
Identifiers: ClinVar variation 3056444 (VCV003056444.2), dbSNP rs41292982, ClinGen allele CA922981.

ClinVar aggregate classification (germline): Benign (0 of 4 stars; one submission).

Conditions:
ADGRL2-related disorder. Also called: ADGRL2-related condition.

Allele frequency attached by ClinVar (database versions not stated): TOPMed 0.01504; 1000 Genomes Project 0.01657; ESP Exome Variant Server 0.01661; gnomAD 0.01743; 1000 Genomes Project 30x 0.01780; ExAC 0.02391; gnomAD exomes 0.02395.
gnomAD v4.1: 37,605 of 1,612,892 alleles (2.3%); highest among the groups gnomAD compares: South Asian, 6.2%; 652 homozygotes.

Submission:

PreventionGenetics, part of Exact Sciences
Classification: Benign for ADGRL2-related condition. Last evaluated: 2019-05-13. Review status: no assertion criteria provided. Collection method: clinical testing. Allele origin: germline.
Comment: This variant is classified as benign based on ACMG/AMP sequence variant interpretation guidelines (Richards et al. 2015 PMID: 25741868, with internal and published modifications).